The following is an entry in ClinVar:

ClinVar aggregate classification (germline): Uncertain significance (1 of 4 stars; one submission).

Conditions:
Adenylosuccinate lyase deficiency (ADSLD). Also called: ADSL DEFICIENCY. Identifiers: Orphanet 46, MedGen C0268126, MONDO:0007068, OMIM 103050.

Submission:

Labcorp Genetics (formerly Invitae), Labcorp
Classification: Uncertain significance for Adenylosuccinate lyase deficiency. Last evaluated: 2024-02-24. Review status: criteria provided, single submitter. Criteria: Invitae Variant Classification Sherloc (09022015). Collection method: clinical testing. Allele origin: germline.
Comment: This sequence change replaces histidine, which is basic and polar, with tyrosine, which is neutral and polar, at codon 217 of the ADSL protein (p.His217Tyr). This variant is not present in population databases (gnomAD no frequency). This variant has not been reported in the literature in individuals affected with ADSL-related conditions. ClinVar contains an entry for this variant (Variation ID: 643949). Advanced modeling of protein sequence and biophysical properties (such as structural, functional, and spatial information, amino acid conservation, physicochemical variation, residue mobility, and thermodynamic stability) performed at Invitae indicates that this missense variant is not expected to disrupt ADSL protein function with a negative predictive value of 80%. In summary, the available evidence is currently insufficient to determine the role of this variant in disease. Therefore, it has been classified as a Variant of Uncertain Significance.

NM_000026.4(ADSL):c.649C>T (p.His217Tyr)

Gene: ADSL (adenylosuccinate lyase; plus strand). Cytogenetic location: 22q13.1.
Variant type: single nucleotide variant.
Coding change: c.649C>T on transcript NM_000026.4 (MANE Select); coding-DNA position 649, C replaced by T.
Protein change: p.His217Tyr; replaces histidine 217 with tyrosine.
Molecular consequence: missense variant. On other transcripts: non-coding transcript variant (1).
Genome position (GRCh38, 1-based): chr22:40,359,030, C>T. VCF-style: chr22-40359030-C-T. GRCh37 (hg19) VCF-style: chr22-40755034-C-T.
Other names: c.649C>T, p.His217Tyr (NM_001123378.3, NM_001363840.3); c.457C>T, p.His153Tyr (NM_001317923.2); short protein forms H153Y, H217Y.
Identifiers: ClinVar variation 643949 (VCV000643949.9), dbSNP rs199761158, ClinGen allele CA411641524.
Genomic context (GRCh38, chr22:40,359,030, plus strand): 5'-GGAGTAAAGGGTACCACTGGCACTCAGGCCAGTTTCCTGCAGCTCTTTGAGGGAGATGAC[C>T]ATAAGGTATTCTGAAAGTGACCTGCAGGACACAGAAACTCAATGGTGGAGCCTAAGAGAC-3'
Protein context (NP_000017.1, residues 207-227): SFLQLFEGDD[His217Tyr]KVEQLDKMVT